The following is an entry in ClinVar:

NM_001267550.2(TTN):c.17821A>G (p.Ile5941Val)

Gene: TTN (titin; minus strand). Cytogenetic location: 2q31.2.
Variant type: single nucleotide variant.
Coding change: c.17821A>G on transcript NM_001267550.2 (MANE Select); coding-DNA position 17821, A replaced by G.
Protein change: p.Ile5941Val; replaces isoleucine 5941 with valine.
Molecular consequence: missense variant. On other transcripts: intron variant (3).
Genome position (GRCh38, 1-based): chr2:178,730,712, T>C on the plus strand (A>G on the coding strand, the complement: TTN is on the minus strand). VCF-style: chr2-178730712-T-C. GRCh37 (hg19) VCF-style: chr2-179595439-T-C.
Other names: c.16870A>G, p.Ile5624Val (NM_001256850.1); c.13282+7370A>G (NM_003319.4); c.13858+7370A>G (NM_133437.4); c.13657+7370A>G (NM_133432.3); c.14089A>G, p.Ile4697Val (NM_133378.4); short protein forms I5941V, I4697V, I5624V.
Identifiers: ClinVar variation 46632 (VCV000046632.13), dbSNP rs397517487, ClinGen allele CA138812.

ClinVar aggregate classification (germline): Conflicting classifications of pathogenicity. Review status: criteria provided, conflicting classifications (1 of 4 stars). 5 submissions from 5 submitters: Uncertain significance (4); Likely benign (1). Last evaluated 2026-08-17.

Conditions:
TTN-related disorder. Also called: TTN-related condition; TTN-related disease; TTN-related disorders.

Allele frequency attached by ClinVar (database versions not stated): gnomAD 0.00006 and 0.00007; 1000 Genomes Project 30x 0.00016; gnomAD exomes 0.00001 and 0.00003; ExAC 0.00004; TOPMed 0.00005; 1000 Genomes Project 0.00020.
gnomAD v4.1: 31 of 1,613,654 alleles (0.0019%); highest among the groups gnomAD compares: African/African-American, 0.023%; no homozygotes.

Submissions (5):

PreventionGenetics, part of Exact Sciences
Classification: Uncertain significance for TTN-related condition. Last evaluated: 2026-08-17. Review status: criteria provided, single submitter. Criteria: ACMG Guidelines, 2015. Collection method: clinical testing. Allele origin: germline.
Comment: The TTN c.17821A>G variant is predicted to result in the amino acid substitution p.Ile5941Val. This variant has been reported in an individual with dilated cardiomyopathy (Table S2, Akinrinade et al. 2015. PubMed ID: 26084686). This variant is reported in 0.021% of alleles in individuals of African descent in gnomAD. At this time, the clinical significance of this variant is uncertain due to the absence of conclusive functional and genetic evidence.

Women's Health and Genetics/Laboratory Corporation of America, LabCorp
Classification: Uncertain significance. Last evaluated: 2021-12-15. Review status: criteria provided, single submitter. Criteria: LabCorp Variant Classification Summary - May 2015. Collection method: clinical testing. Allele origin: germline.
Comment: Variant summary: TTN c.14089A>G (p.Ile4697Val) results in a conservative amino acid change located in the I-band domain of the encoded protein sequence. Two of three in-silico tools predict a benign effect of the variant on protein function. The variant allele was found at a frequency of 3.2e-05 in 247102 control chromosomes. The available data on variant occurrences in the general population are insufficient to allow any conclusion about variant significance. c.14089A>G has been reported in the literature in an individual affected with Dilated Cardiomyopathy without strong evidence for causality (Aknrinade_2015). This report does not provide unequivocal conclusions about association of the variant with Dilated Cardiomyopathy. To our knowledge, no experimental evidence demonstrating an impact on protein function has been reported. One clinical diagnostic laboratory has submitted clinical-significance assessments for this variant to ClinVar after 2014 without evidence for independent evaluation. One laboratory classified the variant as likely benign. Based on the evidence outlined above, the variant was classified as uncertain significance.

Revvity Omics, Revvity
Classification: Uncertain significance. Last evaluated: 2020-12-24. Review status: criteria provided, single submitter. Criteria: ACMG Guidelines, 2015. Collection method: clinical testing. Allele origin: germline.

GeneDx
Classification: Likely benign. Last evaluated: 2019-01-16. Review status: criteria provided, single submitter. Criteria: GeneDx Variant Classification Process June 2021. Collection method: clinical testing. Allele origin: germline. Affected: yes.

Laboratory for Molecular Medicine, Mass General Brigham Personalized Medicine
Classification: Uncertain significance. Last evaluated: 2012-03-22. Review status: criteria provided, single submitter. Criteria: LMM Criteria. Collection method: clinical testing. Allele origin: germline. Observed: 1 variant allele.
Comment: The Ile4697Val variant in TTN has not been reported in the literature nor previo usly identified by our laboratory. Computational analyses (biochemical amino aci d properties, conservation, AlignGVGD, and SIFT) suggest that this variant may n ot impact to the protein, though this information is not predictive enough to ru le out pathogenicity. Additional information is needed to fully assess the clini cal significance of the Ile5697Val variant.

Literature cited by the submitters: PubMed 26084686 (cited by Women's Health and Genetics/Laboratory Corporation of America, LabCorp).